The following is an entry in ClinVar:

NM_020778.5(ALPK3):c.2849G>A (p.Arg950Gln)

Gene: ALPK3 (alpha kinase 3; plus strand). Cytogenetic location: 15q25.3.
Variant type: single nucleotide variant.
Coding change: c.2849G>A on transcript NM_020778.5 (MANE Select); coding-DNA position 2849, G replaced by A.
Protein change: p.Arg950Gln; replaces arginine 950 with glutamine.
Molecular consequence: missense variant.
Genome position (GRCh38, 1-based): chr15:84,857,587, G>A. VCF-style: chr15-84857587-G-A. GRCh37 (hg19) VCF-style: chr15-85400818-G-A.
Other names: short protein forms R950Q.
Identifiers: ClinVar variation 1447095 (VCV001447095.11), dbSNP rs772259344, ClinGen allele CA7709508.

ClinVar aggregate classification (germline): Conflicting classifications of pathogenicity. Review status: criteria provided, conflicting classifications (1 of 4 stars). 2 submissions from 2 submitters: Uncertain significance (1); Likely benign (1). Last evaluated 2025-11-21.

Conditions:
Cardiovascular phenotype. Identifiers: MedGen CN230736.

Allele frequency attached by ClinVar (database versions not stated): gnomAD exomes 0.00001 and 0.00005; gnomAD 0.00003 and 0.00004; TOPMed 0.00003; ExAC 0.00006.
gnomAD v4.1: 21 of 1,573,618 alleles (0.0013%); highest among the groups gnomAD compares: East Asian, 0.016%; no homozygotes.

Submissions (2):

Labcorp Genetics (formerly Invitae), Labcorp
Classification: Uncertain significance. Last evaluated: 2025-11-21. Review status: criteria provided, single submitter. Criteria: Invitae Variant Classification Sherloc (09022015). Collection method: clinical testing. Allele origin: germline.
Comment: This sequence change replaces arginine, which is basic and polar, with glutamine, which is neutral and polar, at codon 1152 of the ALPK3 protein (p.Arg1152Gln). This variant is present in population databases (rs772259344, gnomAD 0.05%). This variant has not been reported in the literature in individuals affected with ALPK3-related conditions. ClinVar contains an entry for this variant (Variation ID: 1447095). Invitae Evidence Modeling of protein sequence and biophysical properties (such as structural, functional, and spatial information, amino acid conservation, physicochemical variation, residue mobility, and thermodynamic stability) indicates that this missense variant is not expected to disrupt ALPK3 protein function with a negative predictive value of 80%. In summary, the available evidence is currently insufficient to determine the role of this variant in disease. Therefore, it has been classified as a Variant of Uncertain Significance.

Ambry Genetics
Classification: Likely benign for Cardiovascular phenotype. Last evaluated: 2025-07-21. Review status: criteria provided, single submitter. Criteria: Ambry Variant Classification Scheme 2023. Collection method: clinical testing. Allele origin: germline.